The following is an entry in ClinVar:

ClinVar aggregate classification (germline): Conflicting classifications of pathogenicity. Review status: criteria provided, conflicting classifications (1 of 4 stars). 2 submissions from 2 submitters: Uncertain significance (1); Likely benign (1). Last evaluated 2025-02-10.

Conditions:
Facioscapulohumeral muscular dystrophy 2 (FSHD2). Also called: MUSCULAR DYSTROPHY, FACIOSCAPULOHUMERAL, TYPE 1B; FACIOSCAPULOHUMERAL MUSCULAR DYSTROPHY 2, DIGENIC; FSHD2, DIGENIC. Identifiers: Orphanet 269, MedGen C1834671, MONDO:0008031, OMIM 158901.

Allele frequency attached by ClinVar (database versions not stated): gnomAD 0.00001; gnomAD exomes 0.00001 and 0.00002; TOPMed 0.00001; ExAC 0.00005.
gnomAD v4.1: 13 of 1,604,214 alleles (0.00081%); highest among the groups gnomAD compares: Middle Eastern, 0.033%; no homozygotes.

Submissions (2):

Labcorp Genetics (formerly Invitae), Labcorp
Classification: Uncertain significance for Facioscapulohumeral muscular dystrophy 2. Last evaluated: 2025-02-10. Review status: criteria provided, single submitter. Criteria: Invitae Variant Classification Sherloc (09022015). Collection method: clinical testing. Allele origin: germline.
Comment: This sequence change replaces arginine, which is basic and polar, with histidine, which is basic and polar, at codon 1972 of the SMCHD1 protein (p.Arg1972His). The frequency data for this variant in the population databases is considered unreliable, as metrics indicate poor data quality at this position in the gnomAD database. This variant has not been reported in the literature in individuals affected with SMCHD1-related conditions. ClinVar contains an entry for this variant (Variation ID: 956706). An algorithm developed to predict the effect of missense changes on protein structure and function outputs the following: PolyPhen-2: "Benign". The histidine amino acid residue is found in multiple mammalian species, which suggests that this missense change does not adversely affect protein function. In summary, the available evidence is currently insufficient to determine the role of this variant in disease. Therefore, it has been classified as a Variant of Uncertain Significance.

Blueprint Genetics
Classification: Likely benign. Last evaluated: 2021-11-09. Review status: criteria provided, single submitter. Criteria: ACMG Guidelines, 2015. Collection method: clinical testing. Allele origin: germline.

NM_015295.3(SMCHD1):c.5915G>A (p.Arg1972His)

Gene: SMCHD1 (structural maintenance of chromosomes flexible hinge domain containing 1; plus strand). Cytogenetic location: 18p11.32.
Variant type: single nucleotide variant.
Coding change: c.5915G>A on transcript NM_015295.3 (MANE Select); coding-DNA position 5915, G replaced by A.
Protein change: p.Arg1972His; replaces arginine 1972 with histidine.
Molecular consequence: missense variant.
Genome position (GRCh38, 1-based): chr18:2,796,443, G>A. VCF-style: chr18-2796443-G-A. GRCh37 (hg19) VCF-style: chr18-2796441-G-A.
Other names: short protein forms R1972H.
Identifiers: ClinVar variation 956706 (VCV000956706.10), dbSNP rs747849441, ClinGen allele CA8871818.
Genomic context (GRCh38, chr18:2,796,443, plus strand): 5'-TTTCTACATTTTCCATCTTCACAGGTATGACTCCCATACGTAAGTGTAATGACTCATTGC[G>A]TCATTCACCAAAGGTTGAGACGACAGATTGTCCAGTTCCTCCTAAAAGAATGAGACGAGA-3'
Protein context (NP_056110.2, residues 1962-1982): TPIRKCNDSL[Arg1972His]HSPKVETTDC